The following is an entry in ClinVar:

NM_000603.5(NOS3):c.1998C>G (p.Ala666=)

Gene: NOS3 (nitric oxide synthase 3; plus strand). Cytogenetic location: 7q36.1.
Variant type: single nucleotide variant.
Coding change: c.1998C>G on transcript NM_000603.5 (MANE Select); coding-DNA position 1998, C replaced by G.
Protein change: p.Ala666=; no amino-acid change (alanine 666 retained).
Molecular consequence: synonymous variant.
Genome position (GRCh38, 1-based): chr7:151,007,162, C>G. VCF-style: chr7-151007162-C-G. GRCh37 (hg19) VCF-style: chr7-150704250-C-G.
Identifiers: ClinVar variation 403249 (VCV000403249.8), dbSNP rs2566514, ClinGen allele CA4567216.

ClinVar aggregate classification (germline): Benign. Review status: criteria provided, multiple submitters, no conflicts (2 of 4 stars). 4 submissions from 4 submitters: Benign (3). 1 of the submissions does not count toward it. Last evaluated 2021-05-04.

Conditions:
NOS3-related disorder. Also called: NOS3-related condition.

Allele frequency attached by ClinVar (database versions not stated): ESP Exome Variant Server 0.33315; TOPMed 0.37572; 1000 Genomes Project 0.43131; 1000 Genomes Project 30x 0.43863.
gnomAD v4.1: 458,283 of 1,613,552 alleles (28%); highest among the groups gnomAD compares: Admixed American, 55%; 72,128 homozygotes.

Submissions (4):

GeneDx
Classification: Benign. Last evaluated: 2021-05-04. Review status: criteria provided, single submitter. Criteria: GeneDx Variant Classification Process June 2021. Collection method: clinical testing. Allele origin: germline. Affected: yes.

Laboratory for Molecular Medicine, Mass General Brigham Personalized Medicine
Classification: Benign. Last evaluated: 2016-03-28. Review status: criteria provided, single submitter. Criteria: LMM Criteria. Collection method: clinical testing. Allele origin: germline.
Comment: Variant identified in a genome or exome case(s) and assessed due to predicted null impact of the variant or pathogenic assertions in the literature or databases. Disclaimer: This variant has not undergone full assessment. The following are preliminary notes: Frequency

Breakthrough Genomics
Classification: Benign. Review status: criteria provided, single submitter. Criteria: ACMG Guidelines, 2015. Collection method: not provided. Allele origin: germline. Inheritance: Autosomal dominant inheritance. Affected: yes.

PreventionGenetics, part of Exact Sciences
Classification: Benign for NOS3-related condition. Last evaluated: 2019-10-18. Review status: no assertion criteria provided. Collection method: clinical testing. Allele origin: germline. Not counted in ClinVar's aggregate classification.
Comment: This variant is classified as benign based on ACMG/AMP sequence variant interpretation guidelines (Richards et al. 2015 PMID: 25741868, with internal and published modifications).